The following is an entry in ClinVar:

ClinVar aggregate classification (germline): Uncertain significance (1 of 4 stars; one submission).

Conditions:
Thrombocytopenia 12 with or without myopathy (THC12). Identifiers: MedGen C5935593, MONDO:0958325, OMIM 620757.

Submission:

Department of Molecular Genetics, Istishari Arab Hospital
Classification: Uncertain significance for Thrombocytopenia 12 with or without myopathy. Last evaluated: 2025-07-23. Review status: criteria provided, single submitter. Criteria: ACMG Guidelines, 2015. Collection method: clinical testing. Allele origin: germline. Inheritance: Autosomal recessive inheritance. Affected: yes.
Comment: The GNE variant c.1423_1425delinsTTT creates an amino acid change from Gly to Phe at position 475. To the best of our knowledge, this variant was not reported in literature. It is classified as variant of uncertain significance (class 3) according to the recommendations of ACMG/AMP/ClinGen SVI guidelines.

NM_005476.7(GNE):c.1423_1424delinsTT (p.Gly475Phe)

Gene: GNE (glucosamine (UDP-N-acetyl)-2-epimerase/N-acetylmannosamine kinase; minus strand). Cytogenetic location: 9p13.3.
Variant type: Indel.
Coding change: c.1423_1424delinsTT on transcript NM_005476.7 (MANE Select); coding-DNA positions 1423 to 1424, GG replaced by TT.
Protein change: p.Gly475Phe; replaces glycine 475 with phenylalanine.
Molecular consequence: missense variant. On other transcripts: intron variant (1).
Genome position (GRCh38, 1-based): chr9:36,222,986-36,222,987, CC replaced by AA on the plus strand (GG replaced by TT on the coding strand, the reverse complement: GNE is on the minus strand). VCF-style: chr9-36222986-CC-AA. GRCh37 (hg19) VCF-style: chr9-36222983-CC-AA.
Other names: p.Gly475Phe; c.1423_1425delinsTTT (NM_005476.7); c.1246_1247delinsTT, p.Gly416Phe (NM_001374798.1, NM_001190388.2); c.1411+386_1411+387delinsTT (NM_001190383.3); c.1516_1517delinsTT, p.Gly506Phe (NM_001128227.3); c.1093_1094delinsTT, p.Gly365Phe (NM_001190384.3); c.1270_1271delinsTT, p.Gly424Phe (NM_001374797.1); short protein forms G365F, G416F, G424F, G475F, G506F.
Identifiers: ClinVar variation 4072358 (VCV004072358.1).